The following is an entry in ClinVar:

NM_199420.4(POLQ):c.1652A>G (p.His551Arg)

Gene: POLQ (DNA polymerase theta; minus strand). Cytogenetic location: 3q13.33.
Variant type: single nucleotide variant.
Coding change: c.1652A>G on transcript NM_199420.4 (MANE Select); coding-DNA position 1652, A replaced by G.
Protein change: p.His551Arg; replaces histidine 551 with arginine.
Molecular consequence: missense variant.
Genome position (GRCh38, 1-based): chr3:121,510,203, T>C on the plus strand (A>G on the coding strand, the complement: POLQ is on the minus strand). VCF-style: chr3-121510203-T-C. GRCh37 (hg19) VCF-style: chr3-121229050-T-C.
Other names: short protein forms H551R.
Identifiers: ClinVar variation 3422400 (VCV003422400.1).

ClinVar aggregate classification (germline): Uncertain significance (1 of 4 stars; one submission).

gnomAD v4.1: 7 of 1,613,696 alleles (0.00043%); highest among the groups gnomAD compares: South Asian, 0.0022%; no homozygotes.

Submission:

Ambry Genetics
Classification: Uncertain significance. Last evaluated: 2024-08-05. Review status: criteria provided, single submitter. Criteria: Ambry Variant Classification Scheme 2023. Collection method: clinical testing. Allele origin: germline.
Comment: The p.H551R variant (also known as c.1652A>G), located in coding exon 11 of the POLQ gene, results from an A to G substitution at nucleotide position 1652. The histidine at codon 551 is replaced by arginine, an amino acid with highly similar properties. This amino acid position is conserved. In addition, this alteration is predicted to be tolerated by in silico analysis. Based on the available evidence, the clinical significance of this variant remains unclear.